The following is an entry in ClinVar:

ClinVar aggregate classification (germline): Benign. Review status: criteria provided, multiple submitters, no conflicts (2 of 4 stars). 3 submissions from 3 submitters: Benign (3). Last evaluated 2019-12-31.

Conditions:
Long QT syndrome (LQTS). Identifiers: MedGen C0023976, MeSH D008133, MONDO:0002442. Disease mechanism: loss of function. Inheritance: Various modes of inheritance.

Allele frequency attached by ClinVar (database versions not stated): 1000 Genomes Project 30x 0.61290; 1000 Genomes Project 0.63259; TOPMed 0.64531.
gnomAD v4.1: 794,290 of 1,075,796 alleles (74%); highest among the groups gnomAD compares: Non-Finnish European, 77%; 298,119 homozygotes.

Submissions (3):

Labcorp Genetics (formerly Invitae), Labcorp
Classification: Benign for Long QT syndrome. Last evaluated: 2019-12-31. Review status: criteria provided, single submitter. Criteria: Invitae Variant Classification Sherloc (09022015). Collection method: clinical testing. Allele origin: germline.

GeneDx
Classification: Benign. Last evaluated: 2018-06-19. Review status: criteria provided, single submitter. Criteria: GeneDx Variant Classification (06012015). Collection method: clinical testing. Allele origin: germline. Affected: yes.
Comment: This variant is considered likely benign or benign based on one or more of the following criteria: it is a conservative change, it occurs at a poorly conserved position in the protein, it is predicted to be benign by multiple in silico algorithms, and/or has population frequency not consistent with disease.

Breakthrough Genomics
Classification: Benign. Review status: criteria provided, single submitter. Criteria: ACMG Guidelines, 2015. Collection method: not provided. Allele origin: germline. Inheritance: Autosomal dominant inheritance. Affected: yes.

NM_000719.7(CACNA1C):c.2224+78T>G

Gene: CACNA1C (calcium voltage-gated channel subunit alpha1 C; plus strand). Cytogenetic location: 12p13.33.
Variant type: single nucleotide variant.
Coding change: c.2224+78T>G on transcript NM_000719.7 (MANE Select); 78 bases into the intron after coding-DNA position 2224, T replaced by G.
Molecular consequence: intron variant.
Genome position (GRCh38, 1-based): chr12:2,583,020, T>G. VCF-style: chr12-2583020-T-G. GRCh37 (hg19) VCF-style: chr12-2692186-T-G.
Other names: c.2224+78T>G (NM_001167624.3, NM_001167623.2, NM_001167625.2 and 18 more transcripts); c.2215+78T>G (NM_001129844.2).
Identifiers: ClinVar variation 670939 (VCV000670939.6), dbSNP rs3751254, ClinGen allele CA13577113.